The following is an entry in ClinVar:

ClinVar aggregate classification (germline): Conflicting classifications of pathogenicity. Review status: criteria provided, conflicting classifications (1 of 4 stars). 4 submissions from 4 submitters: Uncertain significance (2); Likely benign (1). 1 of the submissions does not count toward it. Last evaluated 2026-01-08.

Conditions:
Autosomal recessive nonsyndromic hearing loss 102. Also called: Deafness, autosomal recessive 102. Identifiers: Orphanet 90636, MedGen C3892050, MONDO:0014428, OMIM 615974.
EPS8-related disorder. Also called: EPS8-related condition.

Allele frequency attached by ClinVar (database versions not stated): ExAC 0.00029; gnomAD 0.00007 and 0.00009; gnomAD exomes 0.00009 and 0.00025; 1000 Genomes Project 30x 0.00016; TOPMed 0.00019; 1000 Genomes Project 0.00020.
gnomAD v4.1: 143 of 1,611,910 alleles (0.0089%); highest among the groups gnomAD compares: East Asian, 0.15%; no homozygotes.

Submissions (4):

Labcorp Genetics (formerly Invitae), Labcorp
Classification: Likely benign. Last evaluated: 2026-01-08. Review status: criteria provided, single submitter. Criteria: Invitae Variant Classification Sherloc (09022015). Collection method: clinical testing. Allele origin: germline.

Blueprint Genetics
Classification: Uncertain significance. Last evaluated: 2024-09-02. Review status: criteria provided, single submitter. Criteria: ACMG Guidelines, 2015. Collection method: clinical testing. Allele origin: germline.

Baylor Genetics
Classification: Uncertain significance for Autosomal recessive nonsyndromic hearing loss 102. Last evaluated: 2018-04-27. Review status: criteria provided, single submitter. Criteria: ACMG Guidelines, 2015. Collection method: clinical testing. Allele origin: maternal. Affected: yes.
Comment: This variant was determined to be of uncertain significance according to ACMG Guidelines, 2015 [PMID:25741868].

PreventionGenetics, part of Exact Sciences
Classification: Likely benign for EPS8-related condition. Last evaluated: 2023-02-06. Review status: no assertion criteria provided. Collection method: clinical testing. Allele origin: germline. Not counted in ClinVar's aggregate classification.
Comment: This variant is classified as likely benign based on ACMG/AMP sequence variant interpretation guidelines (Richards et al. 2015 PMID: 25741868, with internal and published modifications).

NM_004447.6(EPS8):c.871G>T (p.Ala291Ser)

Gene: EPS8 (EGFR pathway substrate 8, signaling adaptor; minus strand). Cytogenetic location: 12p12.3.
Variant type: single nucleotide variant.
Coding change: c.871G>T on transcript NM_004447.6 (MANE Select); coding-DNA position 871, G replaced by T.
Protein change: p.Ala291Ser; replaces alanine 291 with serine.
Molecular consequence: missense variant.
Genome position (GRCh38, 1-based): chr12:15,660,680, C>A on the plus strand (G>T on the coding strand, the complement: EPS8 is on the minus strand). VCF-style: chr12-15660680-C-A. GRCh37 (hg19) VCF-style: chr12-15813614-C-A.
Other names: short protein forms A291S.
Identifiers: ClinVar variation 761279 (VCV000761279.13), dbSNP rs202097537, ClinGen allele CA6467729.